The following is an entry in ClinVar:

ClinVar aggregate classification (germline): Likely benign. Review status: criteria provided, multiple submitters, no conflicts (2 of 4 stars). 4 submissions from 4 submitters: Likely benign (3). 1 of the submissions does not count toward it. Last evaluated 2026-01-15.

Conditions:
PCDH12-related disorder. Also called: PCDH12-related condition.
Inborn genetic diseases. Identifiers: MedGen C0950123, MeSH D030342.

Allele frequency attached by ClinVar (database versions not stated): ESP Exome Variant Server 0.00269; TOPMed 0.00265; 1000 Genomes Project 0.00280; 1000 Genomes Project 30x 0.00297.
gnomAD v4.1: 647 of 1,613,864 alleles (0.04%); highest among the groups gnomAD compares: African/African-American, 0.76%; 1 homozygote.

Submissions (4):

Labcorp Genetics (formerly Invitae), Labcorp
Classification: Likely benign. Last evaluated: 2026-01-15. Review status: criteria provided, single submitter. Criteria: Invitae Variant Classification Sherloc (09022015). Collection method: clinical testing. Allele origin: germline.

Ambry Genetics
Classification: Likely benign for Inborn genetic diseases. Last evaluated: 2021-09-01. Review status: criteria provided, single submitter. Criteria: Ambry Variant Classification Scheme 2023. Collection method: clinical testing. Allele origin: germline.

Breakthrough Genomics
Classification: Likely benign. Review status: criteria provided, single submitter. Criteria: ACMG Guidelines, 2015. Collection method: not provided. Allele origin: germline. Inheritance: Autosomal recessive inheritance. Affected: yes.

PreventionGenetics, part of Exact Sciences
Classification: Benign for PCDH12-related condition. Last evaluated: 2019-11-06. Review status: no assertion criteria provided. Collection method: clinical testing. Allele origin: germline. Not counted in ClinVar's aggregate classification.
Comment: This variant is classified as benign based on ACMG/AMP sequence variant interpretation guidelines (Richards et al. 2015 PMID: 25741868, with internal and published modifications).

NM_016580.4(PCDH12):c.2051C>G (p.Pro684Arg)

Genes: PCDH12 (protocadherin 12; minus strand), RNF14 (ring finger protein 14; plus strand). Cytogenetic location: 5q31.3.
Variant type: single nucleotide variant.
Coding change: c.2051C>G on transcript NM_016580.4 (MANE Select); coding-DNA position 2051, C replaced by G.
Protein change: p.Pro684Arg; replaces proline 684 with arginine.
Molecular consequence: missense variant.
Genome position (GRCh38, 1-based): chr5:141,955,801, G>C on the plus strand (C>G on the coding strand, the complement: PCDH12 is on the minus strand). VCF-style: chr5-141955801-G-C. GRCh37 (hg19) VCF-style: chr5-141335366-G-C.
Other names: c.2051C>G (NM_016580.2); short protein forms P684R.
Identifiers: ClinVar variation 729145 (VCV000729145.13), dbSNP rs10040926, ClinGen allele CA3484294.